The following is an entry in ClinVar:

NM_003931.3(WASF1):c.1676A>G (p.Glu559Gly)

Gene: WASF1 (WASP family member 1; minus strand). Cytogenetic location: 6q21.
Variant type: single nucleotide variant.
Coding change: c.1676A>G on transcript NM_003931.3 (MANE Select); coding-DNA position 1676, A replaced by G.
Protein change: p.Glu559Gly; replaces glutamic acid 559 with glycine.
Molecular consequence: missense variant.
Genome position (GRCh38, 1-based): chr6:110,100,526, T>C on the plus strand (A>G on the coding strand, the complement: WASF1 is on the minus strand). VCF-style: chr6-110100526-T-C. GRCh37 (hg19) VCF-style: chr6-110421729-T-C.
Other names: c.1676A>G, p.Glu559Gly (NM_001024934.2, NM_001024935.2, NM_001024936.2); short protein forms E559G.
Identifiers: ClinVar variation 3343498 (VCV003343498.1).
Genomic context (GRCh38, chr6:110,100,526, plus strand): 5'-AAGCACCACAAAGGACATTTGCATTCAGTTTTGTAATATTTATCAATGCATTTTTCTTAC[T>C]CCAACCAATCTACTTCATCAAATTCTGAATCATCTTCCGAATCACTATATTCAACAGCAA-3'
Protein context (NP_003922.1, residues 549-559): DSEFDEVDWL[Glu559Gly]

ClinVar aggregate classification (germline): Uncertain significance (1 of 4 stars; one submission).

Submission:

GeneDx
Classification: Uncertain significance. Last evaluated: 2023-05-11. Review status: criteria provided, single submitter. Criteria: GeneDx Variant Classification Process June 2021. Collection method: clinical testing. Allele origin: germline. Affected: yes.
Comment: Not observed at significant frequency in large population cohorts (gnomAD); In silico analysis supports that this missense variant has a deleterious effect on protein structure/function; Has not been previously published as pathogenic or benign to our knowledge